The following is an entry in ClinVar:

ClinVar aggregate classification (germline): Uncertain significance. Review status: criteria provided, multiple submitters, no conflicts (2 of 4 stars). 2 submissions from 2 submitters: Uncertain significance (2). Last evaluated 2025-06-04.

Conditions:
Inborn genetic diseases. Identifiers: MedGen C0950123, MeSH D030342.
Acute myeloid leukemia (AML). Also called: Leukemia, acute myeloid, somatic; Leukemia, acute myelogenous, somatic; Acute myeloid leukemia, adult; AML adult; Acute non-lymphocytic leukemia; Acute granulocytic leukemia. Identifiers: Orphanet 519, MedGen C0023467, MeSH D015470, MONDO:0018874, OMIM 601626, HP:0004808. Disease mechanism: Constitutively activated FLT3.

Submissions (2):

Labcorp Genetics (formerly Invitae), Labcorp
Classification: Uncertain significance for Acute myeloid leukemia. Last evaluated: 2025-06-04. Review status: criteria provided, single submitter. Criteria: Invitae Variant Classification Sherloc (09022015). Collection method: clinical testing. Allele origin: germline.
Comment: This variant, c.578_589del, results in the deletion of 4 amino acid(s) of the CEBPA protein (p.His193_Pro196del), but otherwise preserves the integrity of the reading frame. This variant is not present in population databases (gnomAD no frequency). This variant has not been reported in the literature in individuals affected with CEBPA-related conditions. ClinVar contains an entry for this variant (Variation ID: 526815). Experimental studies and prediction algorithms are not available or were not evaluated, and the functional significance of this variant is currently unknown. In summary, the available evidence is currently insufficient to determine the role of this variant in disease. Therefore, it has been classified as a Variant of Uncertain Significance.

Ambry Genetics
Classification: Uncertain significance for Inborn genetic diseases. Last evaluated: 2025-03-12. Review status: criteria provided, single submitter. Criteria: Ambry Variant Classification Scheme 2023. Collection method: clinical testing. Allele origin: germline.
Comment: The c.578_589del12 variant (also known as p.H193_P196del) is located in coding exon 1 of the CEBPA gene. This variant results from an in-frame deletion of 12 nucleotides (ACCCGCACCCGC) at positions 578 to 589. This results in the in-frame deletion of 4 amino acids (HPHP) at codons 193 to 196. These amino acid positions are conserved on limited sequence alignment. Based on the available evidence, the clinical significance of this variant remains unclear.

NM_004364.5(CEBPA):c.572ACCCGC[1] (p.191HP[1])

Gene: CEBPA (CCAAT enhancer binding protein alpha; minus strand). Cytogenetic location: 19q13.11.
Variant type: Microsatellite.
Coding change: c.572ACCCGC[1] on transcript NM_004364.5 (MANE Select); one copy of the 6-base unit ACCCGC starting at c.572; the reference has three copies in a row; two copies, 12 bases deleted.
Protein change: p.191HP[1].
Molecular consequence: inframe deletion.
Genome position (GRCh38, 1-based): chr19:33,301,826-33,301,837, GCGGGTGCGGGT deleted on the plus strand (ACCCGCACCCGC on the coding strand, the reverse complement: CEBPA is on the minus strand); deleting any 12 consecutive bases within chr19:33,301,826-33,301,846 gives the same sequence; the position shown is the placement nearest the transcript's 3' end. VCF-style (leftmost placement, unchanged base first): chr19-33301825-GGCGGGTGCGGGT-G. GRCh37 (hg19) VCF-style: chr19-33792731-GGCGGGTGCGGGT-G.
Other names: c.578_589delACCCGCACCCGC (NM_004364.4); c.578_589del12 (NM_004364.3); c.215ACCCGC[1], p.72HP[1] (NM_001285829.2); c.677ACCCGC[1], p.226HP[1] (NM_001287424.2); c.530ACCCGC[1], p.177HP[1] (NM_001287435.2).
Identifiers: ClinVar variation 526815 (VCV000526815.13), dbSNP rs762459325, ClinGen allele CA645612672.